The following is an entry in ClinVar:

NM_004329.3(BMPR1A):c.901T>A (p.Ser301Thr)

Gene: BMPR1A (bone morphogenetic protein receptor type 1A; plus strand). Cytogenetic location: 10q23.2.
Variant type: single nucleotide variant.
Coding change: c.901T>A on transcript NM_004329.3 (MANE Select); coding-DNA position 901, T replaced by A.
Protein change: p.Ser301Thr; replaces serine 301 with threonine.
Molecular consequence: missense variant.
Genome position (GRCh38, 1-based): chr10:86,919,204, T>A. VCF-style: chr10-86919204-T-A. GRCh37 (hg19) VCF-style: chr10-88678961-T-A.
Other names: short protein forms S301T.
Identifiers: ClinVar variation 663018 (VCV000663018.15), dbSNP rs983870066, ClinGen allele CA211208560.

ClinVar aggregate classification (germline): Uncertain significance. Review status: criteria provided, multiple submitters, no conflicts (2 of 4 stars). 3 submissions from 3 submitters: Uncertain significance (3). Last evaluated 2024-05-28.

Conditions:
Juvenile polyposis syndrome (JPS). Identifiers: Orphanet 2929, MedGen C0345893, MONDO:0017380, OMIM 174900.
Polyposis syndrome, hereditary mixed, 2. Identifiers: Orphanet 157794, MedGen C1864730, MONDO:0012405, OMIM 610069.
Hereditary cancer-predisposing syndrome. Also called: Neoplastic Syndromes, Hereditary; Hereditary neoplastic syndrome; Tumor predisposition; Hereditary Cancer Syndrome. Identifiers: Orphanet 140162, MedGen C0027672, MeSH D009386, MONDO:0015356.

Allele frequency attached by ClinVar (database versions not stated): TOPMed 0.00001.
gnomAD v4.1: 1 of 1,613,956 alleles (0.000062%); highest among the groups gnomAD compares: Non-Finnish European, 0.000085%; no homozygotes.

Submissions (3):

Department of Pathology and Laboratory Medicine, Sinai Health System
Classification: Uncertain significance for Polyposis syndrome, hereditary mixed, 2; Juvenile polyposis syndrome. Last evaluated: 2024-05-28. Review status: criteria provided, single submitter. Criteria: ACMG Guidelines, 2015. Collection method: clinical testing. Allele origin: germline. Affected: yes.

Labcorp Genetics (formerly Invitae), Labcorp
Classification: Uncertain significance for Juvenile polyposis syndrome. Last evaluated: 2024-04-29. Review status: criteria provided, single submitter. Criteria: Invitae Variant Classification Sherloc (09022015). Collection method: clinical testing. Allele origin: germline.
Comment: This sequence change replaces serine, which is neutral and polar, with threonine, which is neutral and polar, at codon 301 of the BMPR1A protein (p.Ser301Thr). This variant is not present in population databases (gnomAD no frequency). This missense change has been observed in individual(s) with colorectal cancer (PMID: 28135145). ClinVar contains an entry for this variant (Variation ID: 663018). Advanced modeling of protein sequence and biophysical properties (such as structural, functional, and spatial information, amino acid conservation, physicochemical variation, residue mobility, and thermodynamic stability) performed at Invitae indicates that this missense variant is not expected to disrupt BMPR1A protein function with a negative predictive value of 80%. In summary, the available evidence is currently insufficient to determine the role of this variant in disease. Therefore, it has been classified as a Variant of Uncertain Significance.

Ambry Genetics
Classification: Uncertain significance for Hereditary cancer-predisposing syndrome. Last evaluated: 2023-10-02. Review status: criteria provided, single submitter. Criteria: Ambry Variant Classification Scheme 2023. Collection method: clinical testing. Allele origin: germline.
Comment: The p.S301T variant (also known as c.901T>A), located in coding exon 8 of the BMPR1A gene, results from a T to A substitution at nucleotide position 901. The serine at codon 301 is replaced by threonine, an amino acid with similar properties. This variant has been reported in an individual affected with colorectal cancer (Yurgelun MB et al. J Clin Oncol, 2017 Apr;35:1086-1095). This amino acid position is well conserved in available vertebrate species. In addition, this alteration is predicted to be tolerated by in silico analysis. Since supporting evidence is limited at this time, the clinical significance of this alteration remains unclear.

Literature cited by the submitters: PubMed 28135145 (cited by 3 submitters).